The following is an entry in ClinVar:

ClinVar aggregate classification (germline): Uncertain significance. Review status: criteria provided, multiple submitters, no conflicts (2 of 4 stars). 3 submissions from 3 submitters: Uncertain significance (3). Last evaluated 2025-01-17.

Conditions:
Klippel-Feil anomaly-myopathy-facial dysmorphism syndrome. Also called: Klippel-feil syndrome 4, autosomal recessive, with nemaline myopathy and facial dysmorphism; Klippel-Feil syndrome 4, autosomal recessive, with myopathy and facial dysmorphism. Identifiers: Orphanet 447974, MedGen C4225285, MONDO:0014689, OMIM 616549.
Inborn genetic diseases. Identifiers: MedGen C0950123, MeSH D030342.

Allele frequency attached by ClinVar (database versions not stated): gnomAD 0.00006; gnomAD exomes 0.00007 and 0.00012; TOPMed 0.00008; ExAC 0.00021.
gnomAD v4.1: 115 of 1,606,618 alleles (0.0072%); highest among the groups gnomAD compares: East Asian, 0.063%; no homozygotes.

Submissions (3):

Revvity Omics, Revvity
Classification: Uncertain significance for Klippel-Feil anomaly-myopathy-facial dysmorphism syndrome. Last evaluated: 2025-01-17. Review status: criteria provided, single submitter. Criteria: ACMG Guidelines, 2015. Collection method: clinical testing. Allele origin: germline.

Labcorp Genetics (formerly Invitae), Labcorp
Classification: Uncertain significance. Last evaluated: 2024-11-11. Review status: criteria provided, single submitter. Criteria: Invitae Variant Classification Sherloc (09022015). Collection method: clinical testing. Allele origin: germline.
Comment: This sequence change replaces arginine, which is basic and polar, with tryptophan, which is neutral and slightly polar, at codon 1995 of the MYO18B protein (p.Arg1995Trp). This variant is present in population databases (rs776305649, gnomAD 0.2%). This variant has not been reported in the literature in individuals affected with MYO18B-related conditions. ClinVar contains an entry for this variant (Variation ID: 1449637). An algorithm developed to predict the effect of missense changes on protein structure and function (PolyPhen-2) suggests that this variant is likely to be disruptive. In summary, the available evidence is currently insufficient to determine the role of this variant in disease. Therefore, it has been classified as a Variant of Uncertain Significance.

Ambry Genetics
Classification: Uncertain significance for Inborn genetic diseases. Last evaluated: 2023-02-07. Review status: criteria provided, single submitter. Criteria: Ambry Variant Classification Scheme 2023. Collection method: clinical testing. Allele origin: germline.

NM_032608.7(MYO18B):c.5983C>T (p.Arg1995Trp)

Gene: MYO18B (myosin XVIIIB; plus strand). Cytogenetic location: 22q12.1.
Variant type: single nucleotide variant.
Coding change: c.5983C>T on transcript NM_032608.7 (MANE Select); coding-DNA position 5983, C replaced by T.
Protein change: p.Arg1995Trp; replaces arginine 1995 with tryptophan.
Molecular consequence: missense variant.
Genome position (GRCh38, 1-based): chr22:25,955,191, C>T. VCF-style: chr22-25955191-C-T. GRCh37 (hg19) VCF-style: chr22-26351157-C-T.
Other names: c.5986C>T, p.Arg1996Trp (NM_001318245.2); c.5983C>T (NM_032608.5); short protein forms R1995W, R1996W.
Identifiers: ClinVar variation 1449637 (VCV001449637.9), dbSNP rs776305649, ClinGen allele CA10161363.